The following is an entry in ClinVar:

NM_006231.4(POLE):c.5878_5879dup (p.Asp1960fs)

Gene: POLE (DNA polymerase epsilon, catalytic subunit; minus strand). Cytogenetic location: 12q24.33.
Variant type: Microsatellite.
Coding change: c.5878_5879dup on transcript NM_006231.4 (MANE Select); coding-DNA positions 5878 to 5879, 2 bases duplicated (GA; older notation c.5878_5879dupGA).
Protein change: p.Asp1960fs; shifts the reading frame from aspartic acid 1960.
Molecular consequence: frameshift variant.
Genome position (GRCh38, 1-based): chr12:132,634,311-132,634,312, TC duplicated on the plus strand (GA on the coding strand, the reverse complement: POLE is on the minus strand); duplicating any 2 consecutive bases within chr12:132,634,311-132,634,315 gives the same sequence; the c. name uses the placement nearest the transcript's 3' end. VCF-style (leftmost placement, unchanged base first): chr12-132634310-A-ATC. GRCh37 (hg19) VCF-style: chr12-133210896-A-ATC.
Other names: short protein forms D1960fs.
Identifiers: ClinVar variation 3781538 (VCV003781538.1).

ClinVar aggregate classification (germline): Uncertain significance (1 of 4 stars; one submission).

Conditions:
Hereditary cancer-predisposing syndrome. Also called: Neoplastic Syndromes, Hereditary; Hereditary Cancer Syndrome; Tumor predisposition; Hereditary neoplastic syndrome. Identifiers: Orphanet 140162, MedGen C0027672, MeSH D009386, MONDO:0015356.

Submission:

Ambry Genetics
Classification: Uncertain significance for Hereditary cancer-predisposing syndrome. Last evaluated: 2025-01-14. Review status: criteria provided, single submitter. Criteria: Ambry Variant Classification Scheme 2023. Collection method: clinical testing. Allele origin: germline.
Comment: The c.5878_5879dupGA variant, located in coding exon 43 of the POLE gene, results from a duplication of GA at nucleotide position 5878, causing a translational frameshift with a predicted alternate stop codon (p.D1960Efs*40). This alteration is expected to result in loss of function by premature protein truncation or nonsense-mediated mRNA decay. Loss-of-function variants subject to nonsense mediated decay (NMD) in POLE are known to cause POLE deficiency; however, such associations with POLE-related polymerase proofreading-associated polyposis (PPAP) have not been reported. Based on the supporting evidence, this alteration is pathogenic for POLE deficiency; however, the association of this alteration with POLE-related PPAP is unknown.